The following is an entry in ClinVar:

ClinVar aggregate classification (germline): Uncertain significance (1 of 4 stars; one submission).

gnomAD v4.1: 13 of 1,568,780 alleles (0.00083%); highest among the groups gnomAD compares: Admixed American, 0.011%; no homozygotes.

Submission:

Labcorp Genetics (formerly Invitae), Labcorp
Classification: Uncertain significance. Last evaluated: 2025-11-17. Review status: criteria provided, single submitter. Criteria: Invitae Variant Classification Sherloc (09022015). Collection method: clinical testing. Allele origin: germline.
Comment: This sequence change replaces arginine, which is basic and polar, with tryptophan, which is neutral and slightly polar, at codon 248 of the PGAP3 protein (p.Arg248Trp). The frequency data for this variant in the population databases is considered unreliable, as metrics indicate poor data quality at this position in the gnomAD database. This variant has not been reported in the literature in individuals affected with PGAP3-related conditions. ClinVar contains an entry for this variant (Variation ID: 1380168). Invitae Evidence Modeling of protein sequence and biophysical properties (such as structural, functional, and spatial information, amino acid conservation, physicochemical variation, residue mobility, and thermodynamic stability) has been performed for this missense variant. However, the output from this modeling did not meet the statistical confidence thresholds required to predict the impact of this variant on PGAP3 protein function. In summary, the available evidence is currently insufficient to determine the role of this variant in disease. Therefore, it has been classified as a Variant of Uncertain Significance.

NM_033419.5(PGAP3):c.742C>T (p.Arg248Trp)

Gene: PGAP3 (post-GPI attachment to proteins phospholipase 3; minus strand). Cytogenetic location: 17q12.
Variant type: single nucleotide variant.
Coding change: c.742C>T on transcript NM_033419.5 (MANE Select); coding-DNA position 742, C replaced by T.
Protein change: p.Arg248Trp; replaces arginine 248 with tryptophan.
Molecular consequence: missense variant. On other transcripts: intron variant (3).
Genome position (GRCh38, 1-based): chr17:39,673,208, G>A on the plus strand (C>T on the coding strand, the complement: PGAP3 is on the minus strand). VCF-style: chr17-39673208-G-A. GRCh37 (hg19) VCF-style: chr17-37829461-G-A.
Other names: c.589C>T, p.Arg197Trp (NM_001291726.2); c.679C>T, p.Arg227Trp (NM_001291728.2); c.433-342C>T (NM_001291733.2); c.495-342C>T (NM_001291732.2); c.558-342C>T (NM_001291730.2); short protein forms R248W, R197W, R227W.
Identifiers: ClinVar variation 1380168 (VCV001380168.5), dbSNP rs766144739, ClinGen allele CA8533248.